The following is an entry in ClinVar:

NM_000455.5(STK11):c.563G>A (p.Gly188Asp)

Gene: STK11 (serine/threonine kinase 11; plus strand). Cytogenetic location: 19p13.3.
Variant type: single nucleotide variant.
Coding change: c.563G>A on transcript NM_000455.5 (MANE Select); coding-DNA position 563, G replaced by A.
Protein change: p.Gly188Asp; replaces glycine 188 with aspartic acid.
Molecular consequence: missense variant. On other transcripts: non-coding transcript variant (1).
Genome position (GRCh38, 1-based): chr19:1,220,471, G>A. VCF-style: chr19-1220471-G-A. GRCh37 (hg19) VCF-style: chr19-1220470-G-A.
Other names: c.563G>A, p.Gly188Asp (NM_001407255.1); short protein forms G188D.
Identifiers: ClinVar variation 2811478 (VCV002811478.3), dbSNP rs2145424551, ClinGen allele CA402949192.
Genomic context (GRCh38, chr19:1,220,471, plus strand): 5'-ATAGCCAGGGCATTGTGCACAAGGACATCAAGCCGGGGAACCTGCTGCTCACCACCGGTG[G>A]CACCCTCAAAATCTCCGACCTGGGCGTGGCCGAGGTAGGCACGTGCTAGGGGGGGCCCTG-3'
Protein context (NP_000446.1, residues 178-198): KPGNLLLTTG[Gly188Asp]TLKISDLGVA

ClinVar aggregate classification (germline): Uncertain significance (1 of 4 stars; one submission).

Conditions:
Peutz-Jeghers syndrome (PJS). Also called: POLYPOSIS, HAMARTOMATOUS INTESTINAL; POLYPS-AND-SPOTS SYNDROME; Peutz-Jeghers polyposis; Periorificial lentiginosis syndrome. Identifiers: Orphanet 2869, MedGen C0031269, MeSH D010580, MONDO:0008280, OMIM 175200.

Submission:

Labcorp Genetics (formerly Invitae), Labcorp
Classification: Uncertain significance for Peutz-Jeghers syndrome. Last evaluated: 2022-11-02. Review status: criteria provided, single submitter. Criteria: Invitae Variant Classification Sherloc (09022015). Collection method: clinical testing. Allele origin: germline.
Comment: In summary, the available evidence is currently insufficient to determine the role of this variant in disease. Therefore, it has been classified as a Variant of Uncertain Significance. Advanced modeling of protein sequence and biophysical properties (such as structural, functional, and spatial information, amino acid conservation, physicochemical variation, residue mobility, and thermodynamic stability) performed at Invitae indicates that this missense variant is not expected to disrupt STK11 protein function. This sequence change replaces glycine, which is neutral and non-polar, with aspartic acid, which is acidic and polar, at codon 188 of the STK11 protein (p.Gly188Asp). This variant is not present in population databases (gnomAD no frequency). This variant has not been reported in the literature in individuals affected with STK11-related conditions.